The following is an entry in ClinVar:

NM_000059.4(BRCA2):c.10151G>A (p.Arg3384Gln)

Gene: BRCA2 (BRCA2 DNA repair associated; plus strand). Cytogenetic location: 13q13.1.
Variant type: single nucleotide variant.
Coding change: c.10151G>A on transcript NM_000059.4 (MANE Select); coding-DNA position 10151, G replaced by A.
Protein change: p.Arg3384Gln; replaces arginine 3384 with glutamine.
Molecular consequence: missense variant.
Genome position (GRCh38, 1-based): chr13:32,398,664, G>A. VCF-style: chr13-32398664-G-A. GRCh37 (hg19) VCF-style: chr13-32972801-G-A.
Other names: p.R3384Q:CGA>CAA; short protein forms R3384Q.
Identifiers: ClinVar variation 51050 (VCV000051050.20), dbSNP rs80358397, ClinGen allele CA010355.

ClinVar aggregate classification (germline): Conflicting classifications of pathogenicity. Review status: criteria provided, conflicting classifications (1 of 4 stars). 7 submissions from 7 submitters: Uncertain significance (5); Likely benign (1). 1 of the submissions does not count toward it. Last evaluated 2025-10-06.

Conditions:
Hereditary breast ovarian cancer syndrome. Also called: Hereditary breast and ovarian cancer syndrome; Hereditary breast and ovarian cancer; Hereditary breast and ovarian cancer syndrome (HBOC); Breast and ovarian cancer; Hereditary breast and/or ovarian cancer syndrome; BRCA1- and BRCA2-Associated Hereditary Breast and Ovarian Cancer. Identifiers: Orphanet 145, MedGen C0677776, MeSH D061325, MONDO:0003582. Disease mechanism: loss of function.
Breast-ovarian cancer, familial, susceptibility to, 2 (BROVCA2). Also called: BRCA2 Hereditary Breast and Ovarian Cancer. Identifiers: Orphanet 145, MedGen C2675520, MONDO:0012933, OMIM 612555. Disease mechanism: loss of function.
BRCA2-related cancer predisposition. Identifiers: MedGen CN377758, MONDO:0700269.
Hereditary cancer-predisposing syndrome. Also called: Neoplastic Syndromes, Hereditary; Tumor predisposition; Hereditary Cancer Syndrome; Hereditary neoplastic syndrome. Identifiers: Orphanet 140162, MedGen C0027672, MeSH D009386, MONDO:0015356.

Allele frequency attached by ClinVar (database versions not stated): gnomAD exomes below 0.00001; TOPMed 0.00001.
gnomAD v4.1: 6 of 1,614,146 alleles (0.00037%); highest among the groups gnomAD compares: Non-Finnish European, 0.00051%; no homozygotes.

Submissions (7):

Labcorp Genetics (formerly Invitae), Labcorp
Classification: Uncertain significance for Hereditary breast ovarian cancer syndrome. Last evaluated: 2025-10-06. Review status: criteria provided, single submitter. Criteria: Invitae Variant Classification Sherloc (09022015). Collection method: clinical testing. Allele origin: germline.
Comment: This sequence change replaces arginine, which is basic and polar, with glutamine, which is neutral and polar, at codon 3384 of the BRCA2 protein (p.Arg3384Gln). This variant is not present in population databases (gnomAD no frequency). This variant has not been reported in the literature in individuals affected with BRCA2-related conditions. ClinVar contains an entry for this variant (Variation ID: 51050). Invitae Evidence Modeling of protein sequence and biophysical properties (such as structural, functional, and spatial information, amino acid conservation, physicochemical variation, residue mobility, and thermodynamic stability) indicates that this missense variant is not expected to disrupt BRCA2 protein function with a negative predictive value of 95%. In summary, the available evidence is currently insufficient to determine the role of this variant in disease. Therefore, it has been classified as a Variant of Uncertain Significance.

All of Us Research Program, National Institutes of Health
Classification: Uncertain significance for BRCA2-related cancer predisposition. Last evaluated: 2024-04-16. Review status: criteria provided, single submitter. Criteria: ACMG Guidelines, 2015. Collection method: clinical testing. Allele origin: germline. Inheritance: Autosomal dominant inheritance. Observed: 2 variant alleles, 2 heterozygotes.
Comment: This missense variant replaces arginine with glutamine at codon 3384 of the BRCA2 protein. Computational prediction suggests that this variant may not impact protein structure and function (internally defined REVEL score threshold <= 0.5, PMID: 27666373). To our knowledge, functional studies have not been reported for this variant. This variant has been detected in a breast cancer case-control meta-analysis in 0/60463 cases and 1/53461 unaffected individuals (PMID: 33471991; Leiden Open Variation Database DB-ID BRCA2_002024) and a multifactorial analysis reported co-occurrence and family likelihood ratios for pathogenicity of 1.0246 and 0.8458, respectively (PMID: 31131967). This variant has not been identified in the general population by the Genome Aggregation Database (gnomAD). The available evidence is insufficient to determine the role of this variant in disease conclusively. Therefore, this variant is classified as a Variant of Uncertain Significance.

This study involves interpretation of variants in research participants for the purpose of population health screening. Participant phenotype was not available at the time of variant classification. Additional details can be found in publication PMID: 35346344, PMCID: PMC8962531

Color Diagnostics, LLC DBA Color Health
Classification: Uncertain significance for Hereditary cancer-predisposing syndrome. Last evaluated: 2024-03-20. Review status: criteria provided, single submitter. Criteria: ACMG Guidelines, 2015. Collection method: clinical testing. Allele origin: germline.
Comment: This missense variant replaces arginine with glutamine at codon 3384 of the BRCA2 protein. Computational prediction suggests that this variant may not impact protein structure and function. To our knowledge, functional studies have not been reported for this variant. This variant has been detected in a breast cancer case-control meta-analysis in 0/60463 cases and 1/53461 unaffected individuals (PMID: 33471991Leiden Open Variation Database DB-ID BRCA2_002024) and a multifactorial analysis reported co-occurrence and family likelihood ratios for pathogenicity of 1.0246 and 0.8458, respectively (PMID: 31131967). This variant has not been identified in the general population by the Genome Aggregation Database (gnomAD). The available evidence is insufficient to determine the role of this variant in disease conclusively. Therefore, this variant is classified as a Variant of Uncertain Significance.

Ambry Genetics
Classification: Likely benign for Hereditary cancer-predisposing syndrome. Last evaluated: 2024-03-14. Review status: criteria provided, single submitter. Criteria: Ambry Variant Classification Scheme 2023. Collection method: clinical testing. Allele origin: germline.

Women's Health and Genetics/Laboratory Corporation of America, LabCorp
Classification: Uncertain significance. Last evaluated: 2021-12-27. Review status: criteria provided, single submitter. Criteria: LabCorp Variant Classification Summary - May 2015. Collection method: clinical testing. Allele origin: germline.
Comment: Variant summary: BRCA2 c.10151G>A (p.Arg3384Gln) results in a conservative amino acid change in the encoded protein sequence. Five of five in-silico tools predict a benign effect of the variant on protein function. The variant was absent in 251216 control chromosomes, however, the available data on variant occurrences in the general population are insufficient to allow any conclusion about variant significance. c.10151G>A has not been reported in the literature in individuals affected with Hereditary Breast And Ovarian Cancer Syndrome . To our knowledge, no experimental evidence demonstrating an impact on protein function has been reported. Two ClinVar submitters have assessed the variant since 2014: all have classified the variant as of uncertain significance. Based on the evidence outlined above, the variant was classified as uncertain significance.

GeneDx
Classification: Uncertain significance. Last evaluated: 2014-03-12. Review status: criteria provided, single submitter. Criteria: GeneDx Variant Classification (06012015). Collection method: clinical testing. Allele origin: germline. Affected: yes.
Comment: This variant is denoted BRCA2 c.10151G>A at the cDNA level, p.Arg3384Gln (R3384Q) at the protein level, and results in the change of an Arginine to a Glutamine (CGA>CAA). This variant has not, to our knowledge, been published in the literature as pathogenic or benign. BRCA2 Arg3384Gln was not observed in approximately 6,500 individuals of European and African American ancestry in the NHLBI Exome Sequencing Project, indicating it is not a common benign variant in these populations. Since Arginine and Glutamine differ in some properties, this is considered a semi-conservative amino acid substitution and may affect protein integrity. BRCA2 Arg3384Gln occurs at a position that is moderately conserved across species and is not located in a known functional domain. In silico analyses predict that this variant is unlikely to alter protein structure or function. Based on currently available information, it is unclear whether BRCA2 Arg3384Gln is pathogenic or benign. We consider it to be a variant of uncertain significance.

Breast Cancer Information Core (BIC) (BRCA2)
Classification: Uncertain significance for Breast-ovarian cancer, familial 2. Last evaluated: 2001-10-29. Review status: no assertion criteria provided. Collection method: clinical testing. Allele origin: germline. Affected: yes. Observed: 1 variant allele. Not counted in ClinVar's aggregate classification.

Literature cited by the submitters: PubMed 31131967 (cited by All of Us Research Program, National Institutes of Health and Color Diagnostics, LLC DBA Color Health); PubMed 33471991 (cited by 3 submitters).